The following is an entry in ClinVar:

ClinVar aggregate classification (germline): Conflicting classifications of pathogenicity. Review status: criteria provided, conflicting classifications (1 of 4 stars). 5 submissions from 4 submitters: Uncertain significance (4); Benign (1). Last evaluated 2024-09-03.

Conditions:
Hereditary spherocytosis type 1. Also called: ANK1-Related Spherocytosis; Spherocytosis type 1. Identifiers: Orphanet 822, MedGen C2674218, MONDO:0008447, OMIM 182900.
Spherocytosis. Identifiers: MedGen C0553720, HP:0004444.

Allele frequency attached by ClinVar (database versions not stated): gnomAD 0.00021; 1000 Genomes Project 30x 0.00031; TOPMed 0.00037; 1000 Genomes Project 0.00040.
gnomAD v4.1: 100 of 1,613,226 alleles (0.0062%); highest among the groups gnomAD compares: Admixed American, 0.038%; no homozygotes.

Submissions (5):

Labcorp Genetics (formerly Invitae), Labcorp
Classification: Uncertain significance. Last evaluated: 2024-09-03. Review status: criteria provided, single submitter. Criteria: Invitae Variant Classification Sherloc (09022015). Collection method: clinical testing. Allele origin: germline.
Comment: This sequence change replaces glycine, which is neutral and non-polar, with arginine, which is basic and polar, at codon 167 of the ANK1 protein (p.Gly167Arg). This variant is present in population databases (rs201024919, gnomAD 0.004%). This variant has not been reported in the literature in individuals affected with ANK1-related conditions. ClinVar contains an entry for this variant (Variation ID: 812032). An algorithm developed to predict the effect of missense changes on protein structure and function (PolyPhen-2) suggests that this variant is likely to be disruptive. In summary, the available evidence is currently insufficient to determine the role of this variant in disease. Therefore, it has been classified as a Variant of Uncertain Significance.

Revvity Omics, Revvity
Classification: Uncertain significance for Hereditary spherocytosis type 1. Last evaluated: 2023-02-15. Review status: criteria provided, single submitter. Criteria: ACMG Guidelines, 2015. Collection method: clinical testing. Allele origin: germline.

ARUP Laboratories, Molecular Genetics and Genomics, ARUP Laboratories
Classification: Uncertain significance for Hereditary spherocytosis type 1. Last evaluated: 2019-05-21. Review status: criteria provided, single submitter. Criteria: ARUP Molecular Germline Variant Investigation Process. Collection method: clinical testing. Allele origin: germline.

Illumina Laboratory Services, Illumina
Classification: Uncertain significance for Spherocytosis. Last evaluated: 2018-01-17. Review status: criteria provided, single submitter. Criteria: ICSL Variant Classification Criteria 13 December 2019. Collection method: clinical testing. Allele origin: germline.

Illumina Laboratory Services, Illumina
Classification: Benign for Hereditary spherocytosis type 1. Last evaluated: 2018-01-15. Review status: criteria provided, single submitter. Criteria: ICSL Variant Classification Criteria 13 December 2019. Collection method: clinical testing. Allele origin: germline.
Comment: This variant was observed in the ICSL laboratory as part of a predisposition screen in an ostensibly healthy population. It had not been previously curated by ICSL or reported in the Human Gene Mutation Database (HGMD: prior to June 1st, 2018), and was therefore a candidate for classification through an automated scoring system. Utilizing variant allele frequency, disease prevalence and penetrance estimates, and inheritance mode, an automated score was calculated to assess if this variant is too frequent to cause the disease. Based on the score and internal cut-off values, a variant classified as benign is not then subjected to further curation. The score for this variant resulted in a classification of benign for this disease.

NM_000037.4(ANK1):c.499G>C (p.Gly167Arg)

Genes: ANK1 (ankyrin 1; minus strand), LOC124153154 (Sharpr-MPRA regulatory region 1462; plus strand). Cytogenetic location: 8p11.21.
Variant type: single nucleotide variant.
Coding change: c.499G>C on transcript NM_000037.4 (MANE Select); coding-DNA position 499, G replaced by C.
Protein change: p.Gly167Arg; replaces glycine 167 with arginine.
Molecular consequence: missense variant.
Genome position (GRCh38, 1-based): chr8:41,725,874, C>G on the plus strand (G>C on the coding strand, the complement: ANK1 is on the minus strand). VCF-style: chr8-41725874-C-G. GRCh37 (hg19) VCF-style: chr8-41583392-C-G.
Other names: c.598G>C, p.Gly200Arg (NM_001142446.2); c.499G>C, p.Gly167Arg (NM_020475.3, NM_020476.3, NM_020477.3); short protein forms G167R, G200R.
Identifiers: ClinVar variation 812032 (VCV000812032.16), dbSNP rs201024919, ClinGen allele CA4728957.